The following is an entry in ClinVar:

NM_021167.5(GATAD1):c.492G>A (p.Lys164=)

Gene: GATAD1 (GATA zinc finger domain containing 1; plus strand). Cytogenetic location: 7q21.2.
Variant type: single nucleotide variant.
Coding change: c.492G>A on transcript NM_021167.5 (MANE Select); coding-DNA position 492, G replaced by A.
Protein change: p.Lys164=; no amino-acid change (lysine 164 retained).
Molecular consequence: synonymous variant. On other transcripts: non-coding transcript variant (1).
Genome position (GRCh38, 1-based): chr7:92,454,558, G>A. VCF-style: chr7-92454558-G-A. GRCh37 (hg19) VCF-style: chr7-92083872-G-A.
Identifiers: ClinVar variation 45827 (VCV000045827.5), dbSNP rs397517295, ClinGen allele CA137116.

ClinVar aggregate classification (germline): Likely benign. Review status: criteria provided, multiple submitters, no conflicts (2 of 4 stars). 2 submissions from 2 submitters: Likely benign (2). Last evaluated 2025-07-24.

Conditions:
Cardiovascular phenotype. Identifiers: MedGen CN230736.

Allele frequency attached by ClinVar (database versions not stated): gnomAD exomes below 0.00001; TOPMed below 0.00001.
gnomAD v4.1: 1 of 1,612,924 alleles (0.000062%); highest among the groups gnomAD compares: Non-Finnish European, 0.000085%; no homozygotes.

Submissions (2):

Ambry Genetics
Classification: Likely benign for Cardiovascular phenotype. Last evaluated: 2025-07-24. Review status: criteria provided, single submitter. Criteria: Ambry Variant Classification Scheme 2023. Collection method: clinical testing. Allele origin: germline.

Laboratory for Molecular Medicine, Mass General Brigham Personalized Medicine
Classification: Likely benign. Last evaluated: 2013-01-23. Review status: criteria provided, single submitter. Criteria: LMM Criteria. Collection method: clinical testing. Allele origin: germline. Observed: 1 variant allele.
Comment: Lys164Lys in exon 4 of GATAD1: This variant is not expected to have clinical sig nificance because it does not alter an amino acid residue and is not located wit hin the splice consensus sequence. Lys164Lys in exon 4 of GATAD1 (allele frequ ency = n/a)